The following is an entry in ClinVar:

NM_002968.3(SALL1):c.448AGC[6] (p.Ser156_Ser159del)

Gene: SALL1 (spalt like transcription factor 1; minus strand). Cytogenetic location: 16q12.1.
Variant type: Microsatellite.
Coding change: c.448AGC[6] on transcript NM_002968.3 (MANE Select); six copies in a row of the 3-base unit AGC starting at c.448; the reference has ten copies in a row; four copies, 12 bases deleted; also written c.466_477del.
Protein change: p.Ser156_Ser159del.
Molecular consequence: inframe deletion. On other transcripts: inframe indel (2).
Genome position (GRCh38, 1-based): chr16:51,141,745-51,141,756, GCTGCTGCTGCT deleted on the plus strand (AGCAGCAGCAGC on the coding strand, the reverse complement: SALL1 is on the minus strand); deleting any 12 consecutive bases within chr16:51,141,745-51,141,774 gives the same sequence; the position shown is the placement nearest the transcript's 3' end. VCF-style (leftmost placement, unchanged base first): chr16-51141744-CGCTGCTGCTGCT-C. GRCh37 (hg19) VCF-style: chr16-51175655-CGCTGCTGCTGCT-C.
Other names: c.157AGC[6], p.Ser59_Ser62del (NM_001127892.2); c.448_450AGC[6], p.Ser156_Ser159del (NM_002968.2); c.466_477del (NM_002968.2).
Identifiers: ClinVar variation 1800486 (VCV001800486.2), dbSNP rs113614842, ClinGen allele CA281303117.
Genomic context (GRCh38, chr16:51,141,744, plus strand): 5'-CGAGTTGAGGTAGAGAGGTTGTGATCGCTGAGGTACCTGTGGAGGAGCTGCCGCCGCCGC[CGCTGCTGCTGCT>C]GCTGCTGCTGCTGCTGCTTGGGGCGGTACTGCTGTGGCTGCCGCTGGAAGTGCCGCTGCC-3'

ClinVar aggregate classification (germline): Conflicting classifications of pathogenicity. Review status: criteria provided, conflicting classifications (1 of 4 stars). 2 submissions from 2 submitters: Uncertain significance (1); Likely benign (1). Last evaluated 2025-10-27.

Conditions:
Townes syndrome (TBS). Also called: Townes-Brocks syndrome. Identifiers: Orphanet 857, MedGen C0265246, MeSH C536974, MONDO:0007142.

Submissions (2):

Labcorp Genetics (formerly Invitae), Labcorp
Classification: Uncertain significance for Townes syndrome. Last evaluated: 2025-10-27. Review status: criteria provided, single submitter. Criteria: Invitae Variant Classification Sherloc (09022015). Collection method: clinical testing. Allele origin: germline.
Comment: This variant, c.466_477del, results in the deletion of 4 amino acid(s) of the SALL1 protein (p.Ser156_Ser159del), but otherwise preserves the integrity of the reading frame. This variant is not present in population databases (gnomAD no frequency). This variant has not been reported in the literature in individuals affected with SALL1-related conditions. ClinVar contains an entry for this variant (Variation ID: 1800486). Experimental studies and prediction algorithms are not available or were not evaluated, and the functional significance of this variant is currently unknown. In summary, the available evidence is currently insufficient to determine the role of this variant in disease. Therefore, it has been classified as a Variant of Uncertain Significance.

GeneDx
Classification: Likely benign. Last evaluated: 2020-11-18. Review status: criteria provided, single submitter. Criteria: GeneDx Variant Classification Process June 2021. Collection method: clinical testing. Allele origin: germline. Affected: yes.
Comment: See Variant Classification Assertion Criteria.